The following is an entry in ClinVar:

ClinVar aggregate classification (germline): Uncertain significance. Review status: criteria provided, multiple submitters, no conflicts (2 of 4 stars). 2 submissions from 2 submitters: Uncertain significance (2). Last evaluated 2025-09-18.

Conditions:
Hereditary cancer-predisposing syndrome. Also called: Tumor predisposition; Hereditary Cancer Syndrome; Hereditary neoplastic syndrome; Neoplastic Syndromes, Hereditary. Identifiers: Orphanet 140162, MedGen C0027672, MeSH D009386, MONDO:0015356.
POLD1-related polyposis and colorectal cancer syndrome (CRCS10). Also called: Colorectal cancer 10; COLORECTAL CANCER, SUSCEPTIBILITY TO, ON CHROMOSOME 19q; Colorectal cancer, susceptibility to, 10. Identifiers: Orphanet 220460, MedGen C2675481, MONDO:0012953, OMIM 612591.

Submissions (2):

Ambry Genetics
Classification: Uncertain significance for Hereditary cancer-predisposing syndrome. Last evaluated: 2025-09-18. Review status: criteria provided, single submitter. Criteria: Ambry Variant Classification Scheme 2023. Collection method: clinical testing. Allele origin: germline.
Comment: The p.Q98* variant (also known as c.292C>T), located in coding exon 2 of the POLD1 gene, results from a C to T substitution at nucleotide position 292. This changes the amino acid from a glutamine to a stop codon within coding exon 2. This alteration is expected to result in protein truncation or nonsense-mediated mRNA decay. However, loss of function has not been established as a mechanism of disease. Based on the available evidence, the clinical significance of this alteration remains unclear.

Labcorp Genetics (formerly Invitae), Labcorp
Classification: Uncertain significance for POLD1-related polyposis and colorectal cancer syndrome. Last evaluated: 2022-03-03. Review status: criteria provided, single submitter. Criteria: Invitae Variant Classification Sherloc (09022015). Collection method: clinical testing. Allele origin: germline.
Comment: In summary, the available evidence is currently insufficient to determine the role of this variant in disease. Therefore, it has been classified as a Variant of Uncertain Significance. ClinVar contains an entry for this variant (Variation ID: 1006530). This variant has not been reported in the literature in individuals affected with POLD1-related conditions. This variant is not present in population databases (gnomAD no frequency). This sequence change creates a premature translational stop signal (p.Gln98*) in the POLD1 gene. Missense variants that disrupt the 3'-5' exonuclease (proof-reading) activity of the POLD1 protein are associated with an increased risk for colonic adenomatous polyps and colon cancer (PMID: 23263490, 23447401). However, loss-of-function variants that result in an absent or severely disrupted POLD1 protein, and missense variants outside the exonuclease domain, are unlikely to be associated with polyposis or colon cancer.

Literature cited by the submitters: PubMed 23263490 (cited by Labcorp Genetics (formerly Invitae), Labcorp); PubMed 23447401 (cited by Labcorp Genetics (formerly Invitae), Labcorp).

NM_002691.4(POLD1):c.292C>T (p.Gln98Ter)

Gene: POLD1 (DNA polymerase delta 1, catalytic subunit; plus strand). Cytogenetic location: 19q13.33.
Variant type: single nucleotide variant.
Coding change: c.292C>T on transcript NM_002691.4 (MANE Select); coding-DNA position 292, C replaced by T.
Protein change: p.Gln98Ter; replaces glutamine 98 with a stop codon.
Molecular consequence: nonsense. On other transcripts: non-coding transcript variant (1).
Genome position (GRCh38, 1-based): chr19:50,399,460, C>T. VCF-style: chr19-50399460-C-T. GRCh37 (hg19) VCF-style: chr19-50902717-C-T.
Other names: c.292C>T, p.Gln98Ter (NM_001256849.1, NM_001308632.1); c.292C>T (NM_002691.2); short protein forms Q98*.
Identifiers: ClinVar variation 1006530 (VCV001006530.11), dbSNP rs2038502299, ClinGen allele CA406970615.